The following is an entry in ClinVar:

ClinVar aggregate classification (germline): Uncertain significance (1 of 4 stars; one submission).

Submission:

Labcorp Genetics (formerly Invitae), Labcorp
Classification: Uncertain significance. Last evaluated: 2023-12-09. Review status: criteria provided, single submitter. Criteria: Invitae Variant Classification Sherloc (09022015). Collection method: clinical testing. Allele origin: germline.
Comment: This sequence change replaces aspartic acid, which is acidic and polar, with isoleucine, which is neutral and non-polar, at codon 529 of the SLC9A3 protein (p.Asp529Ile). Information on the frequency of this variant in the gnomAD database is not available, as this variant may be reported differently in the database. This variant has not been reported in the literature in individuals affected with SLC9A3-related conditions. An algorithm developed to predict the effect of missense changes on protein structure and function (PolyPhen-2) suggests that this variant is likely to be disruptive. In summary, the available evidence is currently insufficient to determine the role of this variant in disease. Therefore, it has been classified as a Variant of Uncertain Significance.

NM_004174.4(SLC9A3):c.1585_1586delinsAT (p.Asp529Ile)

Genes: SLC9A3 (solute carrier family 9 member A3), SLC9A3-AS1 (SLC9A3 antisense RNA 1; plus strand). Cytogenetic location: 5p15.33.
Variant type: Indel.
Coding change: c.1585_1586delinsAT on transcript NM_004174.4 (MANE Select); coding-DNA positions 1585 to 1586, the reference bases replaced by AT.
Protein change: p.Asp529Ile; replaces aspartic acid 529 with isoleucine.
Molecular consequence: missense variant. On other transcripts: non-coding transcript variant (1).
Genome position: GRCh38 VCF-style: chr5-479897-TC-AT. GRCh37 (hg19) VCF-style: chr5-480012-TC-AT.
Other names: c.1558_1559delinsAT, p.Asp520Ile (NM_001284351.3); short protein forms D520I, D529I.
Identifiers: ClinVar variation 2701785 (VCV002701785.3), dbSNP rs2477568248, ClinGen allele CA2697546997.